The following is an entry in ClinVar:

NM_004523.4(KIF11):c.2160+1del

Gene: KIF11 (kinesin family member 11; plus strand). Cytogenetic location: 10q23.33.
Variant type: Deletion.
Coding change: c.2160+1del on transcript NM_004523.4 (MANE Select); the canonical splice donor site of the intron after coding-DNA position 2160, one base deleted (G; older notation c.2160+1delG).
Molecular consequence: splice donor variant.
Genome position (GRCh38, 1-based): chr10:92,637,546, G deleted; the last of 2 consecutive G bases (chr10:92,637,545-92,637,546); deleting either gives the same sequence. VCF-style (leftmost placement, unchanged base first): chr10-92637544-AG-A. GRCh37 (hg19) VCF-style: chr10-94397301-AG-A.
Identifiers: ClinVar variation 4855665 (VCV004855665.1).

ClinVar aggregate classification (germline): Likely pathogenic (1 of 4 stars; one submission).

Conditions:
Microcephaly with or without chorioretinopathy, lymphedema, or impaired intellectual development. Also called: MICROCEPHALY, LYMPHEDEMA, CHORIORETINAL DYSPLASIA SYNDROME; Microcephaly lymphedema chorioretinal dysplasia; MICROCEPHALY AND CHORIORETINOPATHY WITH OR WITHOUT MENTAL RETARDATION, AUTOSOMAL DOMINANT; Microcephaly with or without chorioretinopathy, lymphedema, or mental retardation; Microcephaly with or without chorioretinopathy, lymphedema, or intellectual disability. Identifiers: Orphanet 2526, MedGen C1835265, MONDO:0007918, OMIM 152950.

Submission:

3billion
Classification: Likely pathogenic for Microcephaly with or without chorioretinopathy, lymphedema, or impaired intellectual development. Last evaluated: 2025-06-10. Review status: criteria provided, single submitter. Criteria: ACMG Guidelines, 2015. Collection method: clinical testing. Allele origin: germline. Affected: yes.
Comment: The variant is not observed in the gnomAD v4.1.0 dataset. Predicted Consequence/Location: Frameshift: predicted to result in a loss or disruption of normal protein function through nonsense-mediated decay (NMD) or protein truncation. Multiple pathogenic variants are reported downstream of the variant. In silico tools predict the variant to alter splicing and produce an abnormal transcript [SpliceAI: 1.00 (spliceogenicity >=0.2, non-spliceogenicity <0.1)]. Therefore, this variant is classified as Likely pathogenic according to the recommendation of ACMG/AMP guideline.